The following is an entry in ClinVar:

NM_006929.5(SKIC2):c.2457dup (p.Glu820fs)

Gene: SKIC2 (SKI2 subunit of superkiller complex; plus strand). Cytogenetic location: 6p21.33.
Variant type: Duplication.
Coding change: c.2457dup on transcript NM_006929.5 (MANE Select); coding-DNA position 2457, one base duplicated (A; older notation c.2457dupA).
Protein change: p.Glu820fs; shifts the reading frame from glutamic acid 820.
Molecular consequence: frameshift variant.
Genome position (GRCh38, 1-based): chr6:31,967,120, A duplicated. VCF-style (leftmost placement, unchanged base first): chr6-31967119-C-CA. GRCh37 (hg19) VCF-style: chr6-31934896-C-CA.
Other names: short protein forms E820fs.
Identifiers: ClinVar variation 1959248 (VCV001959248.5), dbSNP rs1255627156, ClinGen allele CA566693064.

ClinVar aggregate classification (germline): Pathogenic (1 of 4 stars; one submission).

Allele frequency attached by ClinVar (database versions not stated): gnomAD 0.00001; TOPMed 0.00001; gnomAD exomes 0.00001.

Submission:

Labcorp Genetics (formerly Invitae), Labcorp
Classification: Pathogenic. Last evaluated: 2026-01-13. Review status: criteria provided, single submitter. Criteria: Invitae Variant Classification Sherloc (09022015). Collection method: clinical testing. Allele origin: germline.
Comment: This sequence change creates a premature translational stop signal (p.Glu820Argfs*59) in the SKIV2L gene. It is expected to result in an absent or disrupted protein product. Loss-of-function variants in SKIV2L are known to be pathogenic (PMID: 22444670). This variant is present in population databases (no rsID available, gnomAD 0.007%). This variant has not been reported in the literature in individuals affected with SKIV2L-related conditions. ClinVar contains an entry for this variant (Variation ID: 1959248). For these reasons, this variant has been classified as Pathogenic.

Literature cited by the submitters: PubMed 22444670.